The following is an entry in ClinVar:

ClinVar aggregate classification (germline): Uncertain significance (1 of 4 stars; one submission).

Conditions:
Pyridoxine-dependent epilepsy (EPEO4). Also called: Pyridoxine-Dependent Seizures; Pyridoxine-Dependent Epilepsy - ALDH7A1; PYRIDOXINE DEPENDENCY WITH SEIZURES; EPILEPSY, EARLY-ONSET, 4, VITAMIN B6-DEPENDENT. Identifiers: Orphanet 3006, MedGen C1849508, MONDO:0009945, OMIM 266100. Disease mechanism: loss of function.

gnomAD v4.1: 2 of 1,613,972 alleles (0.00012%); highest among the groups gnomAD compares: East Asian, 0.0045%; no homozygotes.

Submission:

Labcorp Genetics (formerly Invitae), Labcorp
Classification: Uncertain significance for Pyridoxine-dependent epilepsy. Last evaluated: 2020-03-10. Review status: criteria provided, single submitter. Criteria: Invitae Variant Classification Sherloc (09022015). Collection method: clinical testing. Allele origin: germline.
Comment: In summary, the available evidence is currently insufficient to determine the role of this variant in disease. Therefore, it has been classified as a Variant of Uncertain Significance. Algorithms developed to predict the effect of missense changes on protein structure and function (SIFT, PolyPhen-2, Align-GVGD) all suggest that this variant is likely to be tolerated, but these predictions have not been confirmed by published functional studies and their clinical significance is uncertain. This variant has not been reported in the literature in individuals with ALDH7A1-related conditions. This variant is not present in population databases (ExAC no frequency). This sequence change replaces valine with alanine at codon 141 of the ALDH7A1 protein (p.Val141Ala). The valine residue is moderately conserved and there is a small physicochemical difference between valine and alanine.

NM_001182.5(ALDH7A1):c.422T>C (p.Val141Ala)

Gene: ALDH7A1 (aldehyde dehydrogenase 7 family member A1; minus strand). Cytogenetic location: 5q23.2.
Variant type: single nucleotide variant.
Coding change: c.422T>C on transcript NM_001182.5 (MANE Select); coding-DNA position 422, T replaced by C.
Protein change: p.Val141Ala; replaces valine 141 with alanine.
Molecular consequence: missense variant.
Genome position (GRCh38, 1-based): chr5:126,582,946, A>G on the plus strand (T>C on the coding strand, the complement: ALDH7A1 is on the minus strand). VCF-style: chr5-126582946-A-G. GRCh37 (hg19) VCF-style: chr5-125918638-A-G.
Other names: c.338T>C, p.Val113Ala (NM_001201377.2); c.422T>C, p.Val141Ala (NM_001202404.2); short protein forms V113A, V141A.
Identifiers: ClinVar variation 1044145 (VCV001044145.9), dbSNP rs1751225927, ClinGen allele CA360731897.